The following is an entry in ClinVar:

NM_173728.4(ARHGEF15):c.2438A>C (p.His813Pro)

Gene: ARHGEF15 (Rho guanine nucleotide exchange factor 15; plus strand). Cytogenetic location: 17p13.1.
Variant type: single nucleotide variant.
Coding change: c.2438A>C on transcript NM_173728.4 (MANE Select); coding-DNA position 2438, A replaced by C.
Protein change: p.His813Pro; replaces histidine 813 with proline.
Molecular consequence: missense variant.
Genome position (GRCh38, 1-based): chr17:8,320,905, A>C. VCF-style: chr17-8320905-A-C. GRCh37 (hg19) VCF-style: chr17-8224223-A-C.
Other names: c.2438A>C, p.His813Pro (NM_025014.2); short protein forms H813P.
Identifiers: ClinVar variation 862029 (VCV000862029.11), dbSNP rs888001312, ClinGen allele CA287572887.

ClinVar aggregate classification (germline): Uncertain significance. Review status: criteria provided, multiple submitters, no conflicts (2 of 4 stars). 2 submissions from 2 submitters: Uncertain significance (2). Last evaluated 2024-02-28.

Conditions:
Early-infantile DEE. Also called: Early infantile epileptic encephalopathy; Early infantile epileptic encephalopathy with suppression bursts; Ohtahara syndrome. Identifiers: Orphanet 1934, MedGen C0393706, MONDO:0800491.

Allele frequency attached by ClinVar (database versions not stated): gnomAD exomes below 0.00001; gnomAD 0.00001; TOPMed 0.00001.
gnomAD v4.1: 4 of 1,613,826 alleles (0.00025%); highest among the groups gnomAD compares: Admixed American, 0.0017%; no homozygotes.

Submissions (2):

Ambry Genetics
Classification: Uncertain significance. Last evaluated: 2024-02-28. Review status: criteria provided, single submitter. Criteria: Ambry Variant Classification Scheme 2023. Collection method: clinical testing. Allele origin: germline.

Labcorp Genetics (formerly Invitae), Labcorp
Classification: Uncertain significance for Early-infantile DEE. Last evaluated: 2021-01-28. Review status: criteria provided, single submitter. Criteria: Invitae Variant Classification Sherloc (09022015). Collection method: clinical testing. Allele origin: germline.
Comment: In summary, the available evidence is currently insufficient to determine the role of this variant in disease. Therefore, it has been classified as a Variant of Uncertain Significance. Algorithms developed to predict the effect of missense changes on protein structure and function are either unavailable or do not agree on the potential impact of this missense change (SIFT: "Deleterious"; PolyPhen-2: "Possibly Damaging"; Align-GVGD: "Class C0"). This variant has not been reported in the literature in individuals with ARHGEF15-related conditions. This variant is not present in population databases (ExAC no frequency). This sequence change replaces histidine with proline at codon 813 of the ARHGEF15 protein (p.His813Pro). The histidine residue is highly conserved and there is a moderate physicochemical difference between histidine and proline.